The following is an entry in ClinVar:

ClinVar aggregate classification (germline): Likely benign (0 of 4 stars; one submission).

Conditions:
POMC-related disorder. Also called: POMC-related disorders; POMC-related condition.

gnomAD v4.1: 15 of 1,580,632 alleles (0.00095%); highest among the groups gnomAD compares: East Asian, 0.03%; no homozygotes.

Submission:

PreventionGenetics, part of Exact Sciences
Classification: Likely benign for POMC-related condition. Last evaluated: 2024-04-15. Review status: no assertion criteria provided. Collection method: clinical testing. Allele origin: germline.
Comment: This variant is classified as likely benign based on ACMG/AMP sequence variant interpretation guidelines (Richards et al. 2015 PMID: 25741868, with internal and published modifications).

NM_000939.4(POMC):c.357C>T (p.Gly119=)

Gene: POMC (proopiomelanocortin; minus strand). Cytogenetic location: 2p23.3.
Variant type: single nucleotide variant.
Coding change: c.357C>T on transcript NM_000939.4 (MANE Select); coding-DNA position 357, C replaced by T.
Protein change: p.Gly119=; no amino-acid change (glycine 119 retained).
Molecular consequence: synonymous variant.
Genome position (GRCh38, 1-based): chr2:25,161,528, G>A on the plus strand (C>T on the coding strand, the complement: POMC is on the minus strand). VCF-style: chr2-25161528-G-A. GRCh37 (hg19) VCF-style: chr2-25384397-G-A.
Other names: c.357C>T, p.Gly119= (NM_001035256.3, NM_001319204.2, NM_001319205.2).
Identifiers: ClinVar variation 3348778 (VCV003348778.1).
Genomic context (GRCh38, chr2:25,161,528, plus strand): 5'-GTAGGAGCGCTTGCCCTCGCGCGGGCCCGGCTTGGCACCATCGCTGCGGGGCTCGGGGCC[G>A]CCCTCAGGCAGCGGGCCGCAGTCTTCGCCCGCTGAGACGTCCTCGCGCTTCTGCCCTGCG-3'
Protein context (NP_000930.1, residues 109-129): AGEDCGPLPE[Gly119=]GPEPRSDGAK